The following is an entry in ClinVar:

NM_001257.5(CDH13):c.334G>A (p.Val112Ile)

Gene: CDH13 (cadherin 13; plus strand). Cytogenetic location: 16q23.3.
Variant type: single nucleotide variant.
Coding change: c.334G>A on transcript NM_001257.5 (MANE Select); coding-DNA position 334, G replaced by A.
Protein change: p.Val112Ile; replaces valine 112 with isoleucine.
Molecular consequence: missense variant. On other transcripts: intron variant (1).
Genome position (GRCh38, 1-based): chr16:83,032,186, G>A. VCF-style: chr16-83032186-G-A. GRCh37 (hg19) VCF-style: chr16-83065791-G-A.
Other names: c.475G>A (NM_001220488.1); c.475G>A, p.Val159Ile (NM_001220488.2); c.334G>A, p.Val112Ile (NM_001220489.2, NM_001220491.2, NM_001220492.2); c.-396-93199G>A (NM_001220490.2); short protein forms V112I, V159I.
Identifiers: ClinVar variation 714137 (VCV000714137.30), dbSNP rs200199969, ClinGen allele CA8196297.
Genomic context (GRCh38, chr16:83,032,186, plus strand): 5'-AAAACTCTGTTCGTCCATGCACGGACCCCCCATGCGGAAGATATGGCAGAACTCGTGATT[G>A]TCGGGGGGAAAGACATCCAGGGCTCCTTGCAGGTAACACATCTGTTTGAGATAACTTGGG-3'
Protein context (NP_001248.1, residues 102-122): HAEDMAELVI[Val112Ile]GGKDIQGSLQ

ClinVar aggregate classification (germline): Benign/Likely benign. Review status: criteria provided, multiple submitters, no conflicts (2 of 4 stars). 4 submissions from 4 submitters: Benign (1); Likely benign (2). 1 of the submissions does not count toward it. Last evaluated 2026-06-01.

Conditions:
CDH13-related disorder. Also called: CDH13-related condition.

Allele frequency attached by ClinVar (database versions not stated): 1000 Genomes Project 0.00060; 1000 Genomes Project 30x 0.00062; ESP Exome Variant Server 0.00173; TOPMed 0.00180; gnomAD 0.00185 and 0.00190; ExAC 0.00273.
gnomAD v4.1: 3,683 of 1,613,676 alleles (0.23%); highest among the groups gnomAD compares: Middle Eastern, 1.7%; 13 homozygotes.

Submissions (4):

CeGaT Center for Human Genetics Tuebingen
Classification: Benign. Last evaluated: 2026-06-01. Review status: criteria provided, single submitter. Criteria: CeGaT Center For Human Genetics Tuebingen Variant Classification Criteria Version 2. Collection method: clinical testing. Allele origin: germline. Affected: yes. Observed: 2 variant alleles.
Comment: CDH13: BP4, BS1, BS2

Labcorp Genetics (formerly Invitae), Labcorp
Classification: Likely benign. Last evaluated: 2019-12-31. Review status: criteria provided, single submitter. Criteria: Invitae Variant Classification Sherloc (09022015). Collection method: clinical testing. Allele origin: germline.

Breakthrough Genomics
Classification: Likely benign. Review status: criteria provided, single submitter. Criteria: ACMG Guidelines, 2015. Collection method: not provided. Allele origin: germline. Inheritance: Unknown mechanism. Affected: yes.

PreventionGenetics, part of Exact Sciences
Classification: Benign for CDH13-related condition. Last evaluated: 2020-09-02. Review status: no assertion criteria provided. Collection method: clinical testing. Allele origin: germline. Not counted in ClinVar's aggregate classification.
Comment: This variant is classified as benign based on ACMG/AMP sequence variant interpretation guidelines (Richards et al. 2015 PMID: 25741868, with internal and published modifications).